The following is an entry in ClinVar:

ClinVar aggregate classification (germline): Uncertain significance. Review status: criteria provided, multiple submitters, no conflicts (2 of 4 stars). 2 submissions from 2 submitters: Uncertain significance (2). Last evaluated 2021-11-14.

Conditions:
Hereditary cancer-predisposing syndrome. Also called: Neoplastic Syndromes, Hereditary; Hereditary Cancer Syndrome; Tumor predisposition; Hereditary neoplastic syndrome. Identifiers: Orphanet 140162, MedGen C0027672, MeSH D009386, MONDO:0015356.
Microcephaly, normal intelligence and immunodeficiency (NBS). Also called: BERLIN BREAKAGE SYNDROME; Immunodeficiency, microcephaly with normal intelligence; Nijmegen breakage syndrome; Microcephaly with normal intelligence immunodeficiency and lymphoreticular malignancies; Nonsyndromal microcephaly autosomal recessive with normal intelligence; Seemanova syndrome 2. Identifiers: Orphanet 647, MedGen C0398791, MONDO:0009623, OMIM 251260.

Allele frequency attached by ClinVar (database versions not stated): gnomAD exomes below 0.00001.
gnomAD v4.1: 1 of 1,613,544 alleles (0.000062%); highest among the groups gnomAD compares: Non-Finnish European, 0.000085%; no homozygotes.

Submissions (2):

Labcorp Genetics (formerly Invitae), Labcorp
Classification: Uncertain significance for Microcephaly, normal intelligence and immunodeficiency. Last evaluated: 2021-11-14. Review status: criteria provided, single submitter. Criteria: Invitae Variant Classification Sherloc (09022015). Collection method: clinical testing. Allele origin: germline.
Comment: This sequence change replaces valine, which is neutral and non-polar, with glycine, which is neutral and non-polar, at codon 580 of the NBN protein (p.Val580Gly). This variant is not present in population databases (gnomAD no frequency). This variant has not been reported in the literature in individuals affected with NBN-related conditions. Algorithms developed to predict the effect of missense changes on protein structure and function (SIFT, PolyPhen-2, Align-GVGD) all suggest that this variant is likely to be tolerated. Algorithms developed to predict the effect of sequence changes on RNA splicing suggest that this variant may create or strengthen a splice site. In summary, the available evidence is currently insufficient to determine the role of this variant in disease. Therefore, it has been classified as a Variant of Uncertain Significance.

Ambry Genetics
Classification: Uncertain significance for Hereditary cancer-predisposing syndrome. Last evaluated: 2021-05-10. Review status: criteria provided, single submitter. Criteria: Ambry Variant Classification Scheme 2023. Collection method: clinical testing. Allele origin: germline.
Comment: The p.V580G variant (also known as c.1739T>G), located in coding exon 11 of the NBN gene, results from a T to G substitution at nucleotide position 1739. The valine at codon 580 is replaced by glycine, an amino acid with dissimilar properties. This amino acid position is well conserved in available vertebrate species. In addition, this alteration is predicted to be tolerated by in silico analysis. Since supporting evidence is limited at this time, the clinical significance of this alteration remains unclear.

NM_002485.5(NBN):c.1739T>G (p.Val580Gly)

Gene: NBN (nibrin; minus strand). Cytogenetic location: 8q21.3.
Variant type: single nucleotide variant.
Coding change: c.1739T>G on transcript NM_002485.5 (MANE Select); coding-DNA position 1739, T replaced by G.
Protein change: p.Val580Gly; replaces valine 580 with glycine.
Molecular consequence: missense variant.
Genome position (GRCh38, 1-based): chr8:89,953,350, A>C on the plus strand (T>G on the coding strand, the complement: NBN is on the minus strand). VCF-style: chr8-89953350-A-C. GRCh37 (hg19) VCF-style: chr8-90965578-A-C.
Other names: c.1493T>G, p.Val498Gly (NM_001024688.3); short protein forms V498G, V580G.
Identifiers: ClinVar variation 1463348 (VCV001463348.8), dbSNP rs2129697638, ClinGen allele CA371655201.